The following is an entry in ClinVar:

ClinVar aggregate classification (germline): Benign (1 of 4 stars; one submission).

Conditions:
DICER1-related tumor predisposition. Also called: DICER1-related pleuropulmonary blastoma cancer predisposition syndrome; DICER1 syndrome. Identifiers: Orphanet 284343, MedGen C3839822, MONDO:0100216.

Allele frequency attached by ClinVar (database versions not stated): gnomAD exomes 0.00688; 1000 Genomes Project 0.03355; gnomAD 0.03363 and 0.03630; 1000 Genomes Project 30x 0.03607; TOPMed 0.03785.
gnomAD v4.1: 5,650 of 233,276 alleles (2.4%); highest among the groups gnomAD compares: African/African-American, 12%; 344 homozygotes.

Submission:

Illumina Laboratory Services, Illumina
Classification: Benign for Pleuropulmonary blastoma. Last evaluated: 2018-01-13. Review status: criteria provided, single submitter. Criteria: ICSL Variant Classification Criteria 13 December 2019. Collection method: clinical testing. Allele origin: germline.
Comment: This variant was observed in the ICSL laboratory as part of a predisposition screen in an ostensibly healthy population. It had not been previously curated by ICSL or reported in the Human Gene Mutation Database (HGMD: prior to June 1st, 2018), and was therefore a candidate for classification through an automated scoring system. Utilizing variant allele frequency, disease prevalence and penetrance estimates, and inheritance mode, an automated score was calculated to assess if this variant is too frequent to cause the disease. Based on the score and internal cut-off values, a variant classified as benign is not then subjected to further curation. The score for this variant resulted in a classification of benign for this disease.

NM_177438.3(DICER1):c.*4039G>A

Gene: DICER1 (dicer 1, ribonuclease III; minus strand). Cytogenetic location: 14q32.13.
Variant type: single nucleotide variant.
Coding change: c.*4039G>A on transcript NM_177438.3 (MANE Select); 4039 bases downstream of the stop codon, G replaced by A.
Molecular consequence: 3 prime UTR variant.
Genome position (GRCh38, 1-based): chr14:95,086,459, C>T on the plus strand (G>A on the coding strand, the complement: DICER1 is on the minus strand). VCF-style: chr14-95086459-C-T. GRCh37 (hg19) VCF-style: chr14-95552796-C-T.
Other names: c.*4155G>A (NM_001195573.1); c.*4039G>A (NM_001271282.3, NM_001291628.2, NM_030621.4).
Identifiers: ClinVar variation 315044 (VCV000315044.6), dbSNP rs112079219, ClinGen allele CA10646646.